The following is an entry in ClinVar:

ClinVar aggregate classification (germline): Uncertain significance (1 of 4 stars; one submission).

Submission:

CeGaT Center for Human Genetics Tuebingen
Classification: Uncertain significance. Last evaluated: 2026-08-01. Review status: criteria provided, single submitter. Criteria: CeGaT Center For Human Genetics Tuebingen Variant Classification Criteria Version 2. Collection method: clinical testing. Allele origin: germline. Affected: yes. Observed: 1 variant allele.
Comment: SCARF2: PM2

NM_182895.5(SCARF2):c.1915G>A (p.Glu639Lys)

Gene: SCARF2 (scavenger receptor class F member 2; minus strand). Cytogenetic location: 22q11.21.
Variant type: single nucleotide variant.
Coding change: c.1915G>A on transcript NM_182895.5 (MANE Select); coding-DNA position 1915, G replaced by A.
Protein change: p.Glu639Lys; replaces glutamic acid 639 with lysine.
Molecular consequence: missense variant.
Genome position (GRCh38, 1-based): chr22:20,426,061, C>T on the plus strand (G>A on the coding strand, the complement: SCARF2 is on the minus strand). VCF-style: chr22-20426061-C-T. GRCh37 (hg19) VCF-style: chr22-20780348-C-T.
Other names: c.1930G>A, p.Glu644Lys (NM_153334.7); short protein forms E639K, E644K.
Identifiers: ClinVar variation 5040393 (VCV005040393.1).